The following is an entry in ClinVar:

ClinVar aggregate classification (germline): Uncertain significance (1 of 4 stars; one submission).

Conditions:
Hereditary cancer-predisposing syndrome. Also called: Tumor predisposition; Hereditary neoplastic syndrome; Hereditary Cancer Syndrome; Neoplastic Syndromes, Hereditary. Identifiers: Orphanet 140162, MedGen C0027672, MeSH D009386, MONDO:0015356.

Allele frequency attached by ClinVar (database versions not stated): gnomAD exomes below 0.00001.
gnomAD v4.1: 1 of 1,614,136 alleles (0.000062%); highest among the groups gnomAD compares: Non-Finnish European, 0.000085%; no homozygotes.

Submission:

Ambry Genetics
Classification: Uncertain significance for Hereditary cancer-predisposing syndrome. Last evaluated: 2024-02-01. Review status: criteria provided, single submitter. Criteria: Ambry Variant Classification Scheme 2023. Collection method: clinical testing. Allele origin: germline.
Comment: The p.S220A variant (also known as c.658T>G), located in coding exon 4 of the MSH3 gene, results from a T to G substitution at nucleotide position 658. The serine at codon 220 is replaced by alanine, an amino acid with similar properties. This amino acid position is conserved. In addition, this alteration is predicted to be tolerated by in silico analysis. Based on the available evidence, the clinical significance of this alteration remains unclear.

NM_002439.5(MSH3):c.658T>G (p.Ser220Ala)

Gene: MSH3 (mutS homolog 3; plus strand). Cytogenetic location: 5q14.1.
Variant type: single nucleotide variant.
Coding change: c.658T>G on transcript NM_002439.5 (MANE Select); coding-DNA position 658, T replaced by G.
Protein change: p.Ser220Ala; replaces serine 220 with alanine.
Molecular consequence: missense variant.
Genome position (GRCh38, 1-based): chr5:80,670,175, T>G. VCF-style: chr5-80670175-T-G. GRCh37 (hg19) VCF-style: chr5-79965994-T-G.
Other names: short protein forms S220A.
Identifiers: ClinVar variation 3222308 (VCV003222308.1), dbSNP rs2112812220, ClinGen allele CA360266663.
Genomic context (GRCh38, chr5:80,670,175, plus strand): 5'-CTCAGTCAGTTTGGATCATCAAATACAAGTCATGAAAATTTACAGAAAACTGCTTCCAAA[T>G]CAGCTAACAAACGGTCCAAAAGCATCTATACGCCGCTAGAATTACAATACATAGAAATGA-3'
Protein context (NP_002430.3, residues 210-230): HENLQKTASK[Ser220Ala]ANKRSKSIYT